The following is an entry in ClinVar:

NM_004415.4(DSP):c.4198C>G (p.Arg1400Gly)

Gene: DSP (desmoplakin; plus strand). Cytogenetic location: 6p24.3.
Variant type: single nucleotide variant.
Coding change: c.4198C>G on transcript NM_004415.4 (MANE Select); coding-DNA position 4198, C replaced by G.
Protein change: p.Arg1400Gly; replaces arginine 1400 with glycine.
Molecular consequence: missense variant. On other transcripts: intron variant (2).
Genome position (GRCh38, 1-based): chr6:7,580,388, C>G. VCF-style: chr6-7580388-C-G. GRCh37 (hg19) VCF-style: chr6-7580621-C-G.
Other names: c.4050+148C>G (NM_001319034.2); c.3582+616C>G (NM_001008844.3); short protein forms R1400G.
Identifiers: ClinVar variation 3070662 (VCV003070662.1), dbSNP rs770873593, ClinGen allele CA362685770.
Genomic context (GRCh38, chr6:7,580,388, plus strand): 5'-CTCACCATGCAGAAGGAAGAGGATACCAGTGGCTACCGGGCTCAGATAGACAATCTCACC[C>G]GAGAAAACAGGAGCTTATCTGAAGAAATAAAGAGGCTGAAGAACACTCTAACCCAGACCA-3'
Protein context (NP_004406.2, residues 1390-1410): GYRAQIDNLT[Arg1400Gly]ENRSLSEEIK

ClinVar aggregate classification (germline): Uncertain significance (1 of 4 stars; one submission).

Conditions:
Arrhythmogenic cardiomyopathy with wooly hair and keratoderma. Also called: PALMOPLANTAR KERATODERMA WITH LEFT VENTRICULAR CARDIOMYOPATHY AND WOOLLY HAIR; Carvajal syndrome; Dilated cardiomyopathy with woolly hair and keratoderma; Arrhythmogenic cardiomyopathy with woolly hair and keratoderma. Identifiers: Orphanet 65282, MedGen C1854063, MONDO:0011581, OMIM 605676.

Submission:

All of Us Research Program, National Institutes of Health
Classification: Uncertain significance for Arrhythmogenic cardiomyopathy with wooly hair and keratoderma. Last evaluated: 2023-05-04. Review status: criteria provided, single submitter. Criteria: ACMG Guidelines, 2015. Collection method: clinical testing. Allele origin: germline. Inheritance: Autosomal dominant inheritance. Observed: 1 variant allele, 1 heterozygote.
Comment: This missense variant replaces arginine with glycine at codon 1400 of the DSP protein. Computational prediction is inconclusive regarding the impact of this variant on protein structure and function (internally defined REVEL score threshold 0.5 < inconclusive < 0.7, PMID: 27666373). To our knowledge, functional studies have not been reported for this variant. This variant has not been reported in individuals affected with DSP-related disorders in the literature. This variant has not been identified in the general population by the Genome Aggregation Database (gnomAD). The available evidence is insufficient to determine the role of this variant in disease conclusively. Therefore, this variant is classified as a Variant of Uncertain Significance.

This study involves interpretation of variants in research participants for the purpose of population health screening. Participant phenotype was not available at the time of variant classification. Additional details can be found in publication PMID: 35346344, PMCID: PMC8962531